The following is an entry in ClinVar:

ClinVar aggregate classification (germline): Uncertain significance (1 of 4 stars; one submission).

Submission:

GeneDx
Classification: Uncertain significance. Last evaluated: 2020-01-28. Review status: criteria provided, single submitter. Criteria: GeneDx Variant Classification Process June 2021. Collection method: clinical testing. Allele origin: germline. Affected: yes.
Comment: Not observed in large population cohorts (Lek et al., 2016); In silico analysis, which includes protein predictors and evolutionary conservation, supports that this variant does not alter protein structure/function; Has not been previously published as pathogenic or benign to our knowledge

NM_004287.5(GOSR2):c.53G>C (p.Cys18Ser)

Genes: GOSR2 (golgi SNAP receptor complex member 2; plus strand), LRRC37A2 (leucine rich repeat containing 37 member A2). Cytogenetic location: 17q21.32.
Variant type: single nucleotide variant.
Coding change: c.53G>C on transcript NM_004287.5 (MANE Select); coding-DNA position 53, G replaced by C.
Protein change: p.Cys18Ser; replaces cysteine 18 with serine.
Molecular consequence: missense variant. On other transcripts: 5 prime UTR variant (2), non-coding transcript variant (3).
Genome position (GRCh38, 1-based): chr17:46,929,543, G>C. VCF-style: chr17-46929543-G-C. GRCh37 (hg19) VCF-style: chr17-45006909-G-C.
Other names: c.53G>C, p.Cys18Ser (NM_001012511.3, NM_001321133.2, NM_001330252.2 and 4 more transcripts); c.-2G>C (NM_001321134.2, NM_001363851.2); short protein forms C18S.
Identifiers: ClinVar variation 1313643 (VCV001313643.2), dbSNP rs758268045, ClinGen allele CA400015976.
Genomic context (GRCh38, chr17:46,929,543, plus strand): 5'-TCCTGTCTCACTCATTTCCTCCCTCTTCCTTTGATAGGCAGGTCCACGAGATCCAGTCTT[G>C]CATGGGACGCCTGGAGACGGCAGACAAGCAGTCTGTGCACAGTGAGTAATTAACTGTGGA-3'
Protein context (NP_004278.2, residues 8-28): THKQVHEIQS[Cys18Ser]MGRLETADKQ